The following is an entry in ClinVar:

ClinVar aggregate classification (germline): Uncertain significance. Review status: criteria provided, multiple submitters, no conflicts (2 of 4 stars). 5 submissions from 5 submitters: Uncertain significance (5). Last evaluated 2025-11-09.

Conditions:
Familial adenomatous polyposis 1 (FAP1). Also called: FAMILIAL ADENOMATOUS POLYPOSIS 1, ATTENUATED; POLYPOSIS, ADENOMATOUS INTESTINAL. Identifiers: MedGen C2713442, MONDO:0021056, OMIM 175100. Disease mechanism: loss of function.
Classic or attenuated familial adenomatous polyposis. Identifiers: MedGen CN372698, MONDO:0021057.
Hereditary cancer-predisposing syndrome. Also called: Hereditary Cancer Syndrome; Tumor predisposition; Hereditary neoplastic syndrome; Neoplastic Syndromes, Hereditary. Identifiers: Orphanet 140162, MedGen C0027672, MeSH D009386, MONDO:0015356.

Allele frequency attached by ClinVar (database versions not stated): gnomAD exomes below 0.00001 and 0.00001; ExAC 0.00001.
gnomAD v4.1: 3 of 1,613,914 alleles (0.00019%); highest among the groups gnomAD compares: Non-Finnish European, 0.00025%; no homozygotes.

Submissions (5):

Labcorp Genetics (formerly Invitae), Labcorp
Classification: Uncertain significance for Familial adenomatous polyposis 1. Last evaluated: 2025-11-09. Review status: criteria provided, single submitter. Criteria: Invitae Variant Classification Sherloc (09022015). Collection method: clinical testing. Allele origin: germline.
Comment: This sequence change replaces glutamine, which is neutral and polar, with histidine, which is basic and polar, at codon 2376 of the APC protein (p.Gln2376His). This variant is present in population databases (rs762167924, gnomAD 0.002%). This variant has not been reported in the literature in individuals affected with APC-related conditions. ClinVar contains an entry for this variant (Variation ID: 231537). Invitae Evidence Modeling of protein sequence and biophysical properties (such as structural, functional, and spatial information, amino acid conservation, physicochemical variation, residue mobility, and thermodynamic stability) indicates that this missense variant is not expected to disrupt APC protein function with a negative predictive value of 95%. In summary, the available evidence is currently insufficient to determine the role of this variant in disease. Therefore, it has been classified as a Variant of Uncertain Significance.

Hema, HEMA – Genetic and Molecular Diagnostic Laboratory
Classification: Uncertain significance for Classic or attenuated familial adenomatous polyposis. Last evaluated: 2025-05-16. Review status: criteria provided, single submitter. Criteria: HEMA Variant Classification Assertion Criteria. Collection method: clinical testing. Allele origin: germline.
Comment: It is a transversion from guanine to cytosine that results in the substitution of glutamine 2376 by histidine in the APC protein. PM2_Supporting: Absent in the gnomAD v2.1.1 database. BP1: Missense variant in a gene in which pathogenic variants are predominantly truncating, as established by the ClinGen InSiGHT Hereditary Colorectal Cancer/Polyposis Variant Curation Expert Panel for APC.

Baylor Genetics
Classification: Uncertain significance for Familial adenomatous polyposis 1. Last evaluated: 2024-02-25. Review status: criteria provided, single submitter. Criteria: ACMG Guidelines, 2015. Collection method: clinical testing. Allele origin: unknown.

Color Diagnostics, LLC DBA Color Health
Classification: Uncertain significance for Hereditary cancer-predisposing syndrome. Last evaluated: 2023-12-05. Review status: criteria provided, single submitter. Criteria: ACMG Guidelines, 2015. Collection method: clinical testing. Allele origin: germline.
Comment: This missense variant replaces glutamine with histidine at codon 2376 of the APC protein. Computational prediction suggests that this variant may not impact protein structure and function (internally defined REVEL score threshold <= 0.5, PMID: 27666373). To our knowledge, functional studies have not been reported for this variant. This variant has not been reported in individuals affected with APC-related disorders in the literature. This variant has been identified in 2/250050 chromosomes in the general population by the Genome Aggregation Database (gnomAD). The available evidence is insufficient to determine the role of this variant in disease conclusively. Therefore, this variant is classified as a Variant of Uncertain Significance.

Ambry Genetics
Classification: Uncertain significance for Hereditary cancer-predisposing syndrome. Last evaluated: 2023-10-27. Review status: criteria provided, single submitter. Criteria: Ambry Variant Classification Scheme 2023. Collection method: clinical testing. Allele origin: germline.
Comment: The p.Q2376H variant (also known as c.7128G>C), located in coding exon 15 of the APC gene, results from a G to C substitution at nucleotide position 7128. The glutamine at codon 2376 is replaced by histidine, an amino acid with highly similar properties. This amino acid position is well conserved in available vertebrate species. In addition, in silico predictors for this gene do not accurately predict pathogenicity. Since supporting evidence is limited at this time, the clinical significance of this alteration remains unclear.

NM_000038.6(APC):c.7128G>C (p.Gln2376His)

Gene: APC (APC regulator of Wnt signaling pathway; plus strand). Cytogenetic location: 5q22.2.
Variant type: single nucleotide variant.
Coding change: c.7128G>C on transcript NM_000038.6 (MANE Select); coding-DNA position 7128, G replaced by C.
Protein change: p.Gln2376His; replaces glutamine 2376 with histidine.
Molecular consequence: missense variant.
Genome position (GRCh38, 1-based): chr5:112,842,722, G>C. VCF-style: chr5-112842722-G-C. GRCh37 (hg19) VCF-style: chr5-112178419-G-C.
Other names: c.7128G>C, p.Gln2376His (NM_001127510.3, NM_001354895.2); c.7074G>C, p.Gln2358His (NM_001127511.3); c.7182G>C, p.Gln2394His (NM_001354896.2); c.7158G>C, p.Gln2386His (NM_001354897.2); c.7053G>C, p.Gln2351His (NM_001354898.2); c.7044G>C, p.Gln2348His (NM_001354899.2); c.7005G>C, p.Gln2335His (NM_001354900.2); c.6951G>C, p.Gln2317His (NM_001354901.2); and 5 more; short protein forms Q2358H, Q2376H, Q2093H, Q2317H, Q2335H, Q2386H, Q2285H, Q2348H.
Identifiers: ClinVar variation 231537 (VCV000231537.20), dbSNP rs762167924, ClinGen allele CA047019.